The following is an entry in ClinVar:

NM_002226.5(JAG2):c.*4C>T

Gene: JAG2 (jagged canonical Notch ligand 2; minus strand). Cytogenetic location: 14q32.33.
Variant type: single nucleotide variant.
Coding change: c.*4C>T on transcript NM_002226.5 (MANE Select); 4 bases downstream of the stop codon, C replaced by T.
Molecular consequence: 3 prime UTR variant.
Genome position (GRCh38, 1-based): chr14:105,142,691, G>A on the plus strand (C>T on the coding strand, the complement: JAG2 is on the minus strand). VCF-style: chr14-105142691-G-A. GRCh37 (hg19) VCF-style: chr14-105609028-G-A.
Other names: c.*4C>T (NM_145159.3).
Identifiers: ClinVar variation 3033613 (VCV003033613.2), dbSNP rs370167699, ClinGen allele CA7385094.
Genomic context (GRCh38, chr14:105,142,691, plus strand): 5'-GGGTCCGGCAGACGGCATGGCTCCCACCGAGGGCCCTGGGTCCCGGCCCAGCTGGCAGCC[G>A]CCCCTACTCCTTGCCGGCGTAGCGGGCCTCATTGATGCTCCTGACCGCGCGGTTGTCCAC-3'

ClinVar aggregate classification (germline): Likely benign (0 of 4 stars; one submission).

Conditions:
JAG2-related disorder. Also called: JAG2-related condition.

Allele frequency attached by ClinVar (database versions not stated): TOPMed 0.00023; gnomAD 0.00028; 1000 Genomes Project 0.00080; ExAC 0.00126; 1000 Genomes Project 30x 0.00141.
gnomAD v4.1: 325 of 1,590,800 alleles (0.02%); highest among the groups gnomAD compares: East Asian, 0.42%; no homozygotes.

Submission:

PreventionGenetics, part of Exact Sciences
Classification: Likely benign for JAG2-related condition. Last evaluated: 2019-09-10. Review status: no assertion criteria provided. Collection method: clinical testing. Allele origin: germline.
Comment: This variant is classified as likely benign based on ACMG/AMP sequence variant interpretation guidelines (Richards et al. 2015 PMID: 25741868, with internal and published modifications).